The following is an entry in ClinVar:

ClinVar aggregate classification (germline): Pathogenic (1 of 4 stars; one submission).

Conditions:
Jeune thoracic dystrophy. Also called: Jeune syndrome; Infantile thoracic dystrophy; Thoracic pelvic phalangeal dystrophy; Jeune's syndrome; Chondroectodermal dysplasia-like syndrome; Short-rib thoracic dysplasia. Identifiers: Orphanet 474, MedGen C0265275, MONDO:0018770.

Submission:

Labcorp Genetics (formerly Invitae), Labcorp
Classification: Pathogenic for Jeune thoracic dystrophy. Last evaluated: 2025-02-06. Review status: criteria provided, single submitter. Criteria: Invitae Variant Classification Sherloc (09022015). Collection method: clinical testing. Allele origin: germline.
Comment: This sequence change creates a premature translational stop signal (p.Pro4267Hisfs*45) in the DYNC2H1 gene. While this is not anticipated to result in nonsense mediated decay, it is expected to disrupt the last 48 amino acid(s) of the DYNC2H1 protein. This variant is not present in population databases (gnomAD no frequency). This variant has not been reported in the literature in individuals affected with DYNC2H1-related conditions. This variant disrupts a region of the DYNC2H1 protein in which other variant(s) (p.Arg4284Gly) have been determined to be pathogenic (PMID: 29068549). This suggests that this is a clinically significant region of the protein, and that variants that disrupt it are likely to be disease-causing. For these reasons, this variant has been classified as Pathogenic.

Literature cited by the submitters: PubMed 29068549.

NM_001377.3(DYNC2H1):c.12779del (p.Pro4260fs)

Gene: DYNC2H1 (dynein cytoplasmic 2 heavy chain 1; plus strand). Cytogenetic location: 11q22.3.
Variant type: Deletion.
Coding change: c.12779del on transcript NM_001377.3 (MANE Select); coding-DNA position 12779, one base deleted (C; older notation c.12779delC).
Protein change: p.Pro4260fs; shifts the reading frame from proline 4260.
Molecular consequence: frameshift variant.
Genome position (GRCh38, 1-based): chr11:103,479,108, C deleted; the last of 2 consecutive C bases (chr11:103,479,107-103,479,108); deleting either gives the same sequence. VCF-style (leftmost placement, unchanged base first): chr11-103479106-TC-T. GRCh37 (hg19) VCF-style: chr11-103349834-TC-T.
Other names: c.12800del, p.Pro4267fs (NM_001080463.2); short protein forms P4260fs, P4267fs.
Identifiers: ClinVar variation 4712022 (VCV004712022.1).